The following is an entry in ClinVar:

ClinVar aggregate classification (germline): Conflicting classifications of pathogenicity. Review status: criteria provided, conflicting classifications (1 of 4 stars). 2 submissions from 2 submitters: Uncertain significance (1); Likely benign (1). Last evaluated 2025-10-14.

Allele frequency attached by ClinVar (database versions not stated): ExAC 0.00002; gnomAD 0.00003 and 0.00004; gnomAD exomes 0.00004 and 0.00005; TOPMed 0.00005; 1000 Genomes Project 30x 0.00016; 1000 Genomes Project 0.00020.
gnomAD v4.1: 70 of 1,611,576 alleles (0.0043%); highest among the groups gnomAD compares: Middle Eastern, 0.033%; no homozygotes.

Submissions (2):

Labcorp Genetics (formerly Invitae), Labcorp
Classification: Uncertain significance. Last evaluated: 2025-10-14. Review status: criteria provided, single submitter. Criteria: Invitae Variant Classification Sherloc (09022015). Collection method: clinical testing. Allele origin: germline.
Comment: This sequence change replaces threonine, which is neutral and polar, with methionine, which is neutral and non-polar, at codon 643 of the IL12RB2 protein (p.Thr643Met). This variant is present in population databases (rs201465672, gnomAD 0.02%). This variant has not been reported in the literature in individuals affected with IL12RB2-related conditions. ClinVar contains an entry for this variant (Variation ID: 1430866). An algorithm developed to predict the effect of missense changes on protein structure and function outputs the following: PolyPhen-2: "Benign". The methionine amino acid residue is found in multiple mammalian species, which suggests that this missense change does not adversely affect protein function. Algorithms developed to predict the effect of sequence changes on RNA splicing suggest that this variant may disrupt the consensus splice site. In summary, the available evidence is currently insufficient to determine the role of this variant in disease. Therefore, it has been classified as a Variant of Uncertain Significance.

Ambry Genetics
Classification: Likely benign. Last evaluated: 2024-02-05. Review status: criteria provided, single submitter. Criteria: Ambry Variant Classification Scheme 2023. Collection method: clinical testing. Allele origin: germline.

NM_001374259.2(IL12RB2):c.1928C>T (p.Thr643Met)

Gene: IL12RB2 (interleukin 12 receptor subunit beta 2; plus strand). Cytogenetic location: 1p31.3.
Variant type: single nucleotide variant.
Coding change: c.1928C>T on transcript NM_001374259.2 (MANE Select); coding-DNA position 1928, C replaced by T.
Protein change: p.Thr643Met; replaces threonine 643 with methionine.
Molecular consequence: missense variant. On other transcripts: non-coding transcript variant (1), intron variant (1).
Genome position (GRCh38, 1-based): chr1:67,386,651, C>T. VCF-style: chr1-67386651-C-T. GRCh37 (hg19) VCF-style: chr1-67852334-C-T.
Other names: c.1928C>T, p.Thr643Met (NM_001258214.1, NM_001319233.1, NM_001559.3); c.1670C>T, p.Thr557Met (NM_001258215.1); c.1855+6528C>T (NM_001258216.1); c.1928C>T (NM_001559.2); short protein forms T643M, T557M.
Identifiers: ClinVar variation 1430866 (VCV001430866.7), dbSNP rs201465672, ClinGen allele CA900604.